The following is an entry in ClinVar:

NM_001363118.2(SLC52A2):c.11C>G (p.Pro4Arg)

Gene: SLC52A2 (solute carrier family 52 member 2; plus strand). Cytogenetic location: 8q24.3.
Variant type: single nucleotide variant.
Coding change: c.11C>G on transcript NM_001363118.2 (MANE Select); coding-DNA position 11, C replaced by G.
Protein change: p.Pro4Arg; replaces proline 4 with arginine.
Molecular consequence: missense variant. On other transcripts: non-coding transcript variant (1).
Genome position (GRCh38, 1-based): chr8:144,359,304, C>G. VCF-style: chr8-144359304-C-G. GRCh37 (hg19) VCF-style: chr8-145582964-C-G.
Other names: c.11C>G, p.Pro4Arg (NM_001253815.2, NM_001253816.2, NM_001363120.2 and 3 more transcripts); short protein forms P4R.
Identifiers: ClinVar variation 1508297 (VCV001508297.6), dbSNP rs1554853726, ClinGen allele CA372625486.

ClinVar aggregate classification (germline): Uncertain significance (1 of 4 stars; one submission).

Conditions:
Brown-Vialetto-van Laere syndrome 2. Also called: Riboflavin transporter deficiency type 2; SPINOCEREBELLAR ATAXIA WITH BLINDNESS AND DEAFNESS 2. Identifiers: Orphanet 572543, Orphanet 97229, MedGen C3553538, MONDO:0013867, OMIM 614707.

Allele frequency attached by ClinVar (database versions not stated): gnomAD exomes below 0.00001.
gnomAD v4.1: 1 of 1,612,446 alleles (0.000062%); highest among the groups gnomAD compares: Non-Finnish European, 0.000085%; no homozygotes.

Submission:

Labcorp Genetics (formerly Invitae), Labcorp
Classification: Uncertain significance for Brown-Vialetto-van Laere syndrome 2. Last evaluated: 2022-01-26. Review status: criteria provided, single submitter. Criteria: Invitae Variant Classification Sherloc (09022015). Collection method: clinical testing. Allele origin: germline.
Comment: This variant has not been reported in the literature in individuals affected with SLC52A2-related conditions. In summary, the available evidence is currently insufficient to determine the role of this variant in disease. Therefore, it has been classified as a Variant of Uncertain Significance. Advanced modeling of protein sequence and biophysical properties (such as structural, functional, and spatial information, amino acid conservation, physicochemical variation, residue mobility, and thermodynamic stability) performed at Invitae indicates that this missense variant is not expected to disrupt SLC52A2 protein function. This variant is present in population databases (no rsID available, gnomAD 0.0009%). This sequence change replaces proline, which is neutral and non-polar, with arginine, which is basic and polar, at codon 4 of the SLC52A2 protein (p.Pro4Arg).